The following is an entry in ClinVar:

ClinVar aggregate classification (germline): Uncertain significance. Review status: criteria provided, multiple submitters, no conflicts (2 of 4 stars). 2 submissions from 2 submitters: Uncertain significance (2). Last evaluated 2024-06-27.

Conditions:
Hereditary cancer-predisposing syndrome. Also called: Hereditary Cancer Syndrome; Hereditary neoplastic syndrome; Neoplastic Syndromes, Hereditary; Tumor predisposition. Identifiers: Orphanet 140162, MedGen C0027672, MeSH D009386, MONDO:0015356.

Allele frequency attached by ClinVar (database versions not stated): gnomAD below 0.00001 and 0.00001.
gnomAD v4.1: 16 of 1,613,794 alleles (0.00099%); highest among the groups gnomAD compares: South Asian, 0.016%; no homozygotes.

Submissions (2):

Ambry Genetics
Classification: Uncertain significance for Hereditary cancer-predisposing syndrome. Last evaluated: 2024-06-27. Review status: criteria provided, single submitter. Criteria: Ambry Variant Classification Scheme 2023. Collection method: clinical testing. Allele origin: germline.
Comment: The p.N41K variant (also known as c.123T>A), located in coding exon 2 of the EPCAM gene, results from a T to A substitution at nucleotide position 123. The asparagine at codon 41 is replaced by lysine, an amino acid with similar properties. This amino acid position is conserved. In addition, this alteration is predicted to be tolerated by in silico analysis. Since supporting evidence is limited at this time, the clinical significance of this alteration remains unclear.

Labcorp Genetics (formerly Invitae), Labcorp
Classification: Uncertain significance. Last evaluated: 2015-06-13. Review status: criteria provided, single submitter. Criteria: Invitae Variant Classification Sherloc (09022015). Collection method: clinical testing. Allele origin: germline.
Comment: Algorithms developed to predict the effect of missense changes on protein structure and function (SIFT, PolyPhen-2, Align-GVGD) all suggest that this variant is likely to be tolerated, but these predictions have not been confirmed by published functional studies. In addition, the lysine amino acid residue is found in multiple mammalian species, also suggesting that this missense change does not adversely affect protein function. This sequence change replaces asparagine with lysine at codon 41 of the EPCAM protein (p.Asn41Lys). The asparagine residue is highly conserved and there is a moderate physicochemical difference between asparagine and lysine. This variant has not been published in the literature and is present in population databases (no rsID, 0.01%). In summary, this is a rare missense change that is not predicted to affect protein function or cause disease. However the evidence is insufficient at this time to prove that conclusively. Therefore, it has been classified as a Variant of Uncertain Significance.

NM_002354.3(EPCAM):c.123T>A (p.Asn41Lys)

Gene: EPCAM (epithelial cell adhesion molecule; plus strand). Cytogenetic location: 2p21.
Variant type: single nucleotide variant.
Coding change: c.123T>A on transcript NM_002354.3 (MANE Select); coding-DNA position 123, T replaced by A.
Protein change: p.Asn41Lys; replaces asparagine 41 with lysine.
Molecular consequence: missense variant.
Genome position (GRCh38, 1-based): chr2:47,373,509, T>A. VCF-style: chr2-47373509-T-A. GRCh37 (hg19) VCF-style: chr2-47600648-T-A.
Other names: short protein forms N41K.
Identifiers: ClinVar variation 216551 (VCV000216551.12), dbSNP rs750032094, ClinGen allele CA338644.